The following is an entry in ClinVar:

ClinVar aggregate classification (germline): Conflicting classifications of pathogenicity. Review status: criteria provided, conflicting classifications (1 of 4 stars). 5 submissions from 5 submitters: Pathogenic (2); Likely pathogenic (2); Uncertain significance (1). Last evaluated 2025-12-16.

Conditions:
SLC12A3-related disorder. Also called: SLC12A3-related condition.
Familial hypokalemia-hypomagnesemia (GTLMNS). Also called: gitelman syndrome; POTASSIUM AND MAGNESIUM DEPLETION; HYPOMAGNESEMIA-HYPOKALEMIA, PRIMARY RENOTUBULAR, WITH HYPOCALCIURIA. Identifiers: Orphanet 358, MedGen C0268450, MONDO:0009904, OMIM 263800.

Allele frequency attached by ClinVar (database versions not stated): ExAC 0.00001; gnomAD 0.00001; gnomAD exomes 0.00001; TOPMed 0.00001.
gnomAD v4.1: 15 of 1,614,096 alleles (0.00093%); highest among the groups gnomAD compares: Admixed American, 0.0033%; no homozygotes.

Submissions (5):

Labcorp Genetics (formerly Invitae), Labcorp
Classification: Pathogenic. Last evaluated: 2025-12-16. Review status: criteria provided, single submitter. Criteria: Invitae Variant Classification Sherloc (09022015). Collection method: clinical testing. Allele origin: germline.
Comment: This sequence change replaces arginine, which is basic and polar, with glutamine, which is neutral and polar, at codon 334 of the SLC12A3 protein (p.Arg334Gln). This variant is present in population databases (rs776296772, gnomAD 0.006%). This missense change has been observed in individual(s) with Gitelman syndrome (PMID: 32221616, 35368817, 37360783). In at least one individual the data is consistent with being in trans (on the opposite chromosome) from a pathogenic variant. ClinVar contains an entry for this variant (Variation ID: 1706235). Invitae Evidence Modeling of protein sequence and biophysical properties (such as structural, functional, and spatial information, amino acid conservation, physicochemical variation, residue mobility, and thermodynamic stability) indicates that this missense variant is expected to disrupt SLC12A3 protein function with a positive predictive value of 95%. This variant disrupts the p.Arg334 amino acid residue in SLC12A3. Other variant(s) that disrupt this residue have been determined to be pathogenic (PMID: 11168953, 21415153). This suggests that this residue is clinically significant, and that variants that disrupt this residue are likely to be disease-causing. For these reasons, this variant has been classified as Pathogenic.

PreventionGenetics, part of Exact Sciences
Classification: Likely pathogenic for SLC12A3-related condition. Last evaluated: 2025-12-11. Review status: criteria provided, single submitter. Criteria: ACMG Guidelines, 2015. Collection method: clinical testing. Allele origin: germline.
Comment: The SLC12A3 c.1001G>A variant is predicted to result in the amino acid substitution p.Arg334Gln. This variant has been reported in homozygous or compound heterozygous states in individuals with Gitelman syndrome (Table 2 in Bekheirnia et al. 2020. PubMed ID: 35368817; Song et al. 2023. PubMed ID: 37360783). In addition, different amino acid substitutions at this position, p.Arg334Trp and p.Arg334Pro, have been reported in individuals with Gitelman syndrome (see for example, Rao et al. 2019. PubMed ID: 31328266; Hureaux et al. 2019. PubMed ID: 31672324; Supp. Table 1b in Vargas-Poussou et al. 2011. PubMed ID: 21415153). This variant is reported in 0.0058% of alleles in individuals of Latino descent in gnomAD. The c.1001G>A (p.Arg334Gln) variant is interpreted as likely pathogenic.

First Genomix Gene Laboratory, Genetic Diagnostics Department
Classification: Pathogenic for Familial hypokalemia-hypomagnesemia. Last evaluated: 2025-03-20. Review status: criteria provided, single submitter. Criteria: ACMG Guidelines, 2015. Collection method: clinical testing. Allele origin: germline. Inheritance: Autosomal recessive inheritance. Affected: no. Observed: 1 variant allele.

Natera, Inc.
Classification: Likely pathogenic for Gitelman syndrome. Last evaluated: 2024-07-30. Review status: criteria provided, single submitter. Criteria: Natera Variant Classification Schema (03/2026). Collection method: clinical testing. Allele origin: germline.
Comment: The c.1001G>A variant in SLC12A3 is a missense variant predicted to cause substitution of arginine to glutamine at amino acid 334. This variant is rare in the general population with a frequency below the threshold expected for the associated phenotype(s). This variant has been observed in one or more individuals affected with the associated recessive disease, as either homozygous or compound heterozygous with a second variant (PMID: 35368817, 33238651, 32221616, 37360783). A different variant at the same position has been determined to be Pathogenic or Likely Pathogenic. Given the available evidence, this variant is classified as Likely Pathogenic.

GeneDx
Classification: Uncertain significance. Last evaluated: 2022-03-15. Review status: criteria provided, single submitter. Criteria: GeneDx Variant Classification Process June 2021. Collection method: clinical testing. Allele origin: germline. Affected: yes.
Comment: In silico analysis supports that this missense variant has a deleterious effect on protein structure/function; This variant is associated with the following publications: (PMID: Bekheirnia2020[epub], 32221616)

Literature cited by the submitters: PubMed 32221616 (cited by Labcorp Genetics (formerly Invitae), Labcorp and Natera, Inc.); PubMed 35368817 (cited by Labcorp Genetics (formerly Invitae), Labcorp and Natera, Inc.); PubMed 37360783 (cited by Labcorp Genetics (formerly Invitae), Labcorp and Natera, Inc.); PubMed 11168953 (cited by Labcorp Genetics (formerly Invitae), Labcorp); PubMed 21415153 (cited by Labcorp Genetics (formerly Invitae), Labcorp); PubMed 33238651 (cited by Natera, Inc.).

NM_001126108.2(SLC12A3):c.1001G>A (p.Arg334Gln)

Gene: SLC12A3 (solute carrier family 12 member 3; plus strand). Cytogenetic location: 16q13.
Variant type: single nucleotide variant.
Coding change: c.1001G>A on transcript NM_001126108.2 (MANE Select); coding-DNA position 1001, G replaced by A.
Protein change: p.Arg334Gln; replaces arginine 334 with glutamine.
Molecular consequence: missense variant.
Genome position (GRCh38, 1-based): chr16:56,872,692, G>A. VCF-style: chr16-56872692-G-A. GRCh37 (hg19) VCF-style: chr16-56906604-G-A.
Other names: c.1001G>A, p.Arg334Gln (NM_000339.3); c.998G>A, p.Arg333Gln (NM_001126107.2, NM_001410896.1); short protein forms R333Q, R334Q.
Identifiers: ClinVar variation 1706235 (VCV001706235.9), dbSNP rs776296772, ClinGen allele CA8069296.